The following is an entry in ClinVar:

ClinVar aggregate classification (germline): Pathogenic/Likely pathogenic. Review status: criteria provided, multiple submitters, no conflicts (2 of 4 stars). 3 submissions from 3 submitters: Pathogenic (2); Likely pathogenic (1). Last evaluated 2024-05-08.

Conditions:
Niemann-Pick disease, type C1. Also called: NEUROVISCERAL STORAGE DISEASE WITH VERTICAL SUPRANUCLEAR OPHTHALMOPLEGIA; NIEMANN-PICK DISEASE WITH CHOLESTEROL ESTERIFICATION BLOCK; NIEMANN-PICK DISEASE WITHOUT SPHINGOMYELINASE DEFICIENCY; NIEMANN-PICK DISEASE, CHRONIC NEURONOPATHIC FORM; NIEMANN-PICK DISEASE, VARIANT TYPE C1. Identifiers: Orphanet 646, MedGen C3179455, MONDO:0009757, OMIM 257220.

Submissions (3):

Myriad Genetics, Inc.
Classification: Pathogenic for Niemann-Pick disease, type C1. Last evaluated: 2024-05-08. Review status: criteria provided, single submitter. Criteria: Myriad Autosomal Dominant, Autosomal Recessive and X-Linked Classification Criteria (2023). Collection method: clinical testing. Allele origin: unknown.
Comment: NM_000271.4(NPC1):c.1020_1021delAC(R341Lfs*38) is expected to be pathogenic in the context of Niemann-Pick disease type C1. This variant is predicted to lead to an abnormal or absent protein product due to the creation of a premature termination codon in NPC1, a gene where loss-of-function variants are known to be pathogenic. Please note: this variant was assessed in the context of healthy population screening.

Labcorp Genetics (formerly Invitae), Labcorp
Classification: Pathogenic for Niemann-Pick disease, type C1. Last evaluated: 2022-03-26. Review status: criteria provided, single submitter. Criteria: Invitae Variant Classification Sherloc (09022015). Collection method: clinical testing. Allele origin: germline.
Comment: For these reasons, this variant has been classified as Pathogenic. ClinVar contains an entry for this variant (Variation ID: 451826). This variant has not been reported in the literature in individuals affected with NPC1-related conditions. This variant is not present in population databases (gnomAD no frequency). This sequence change creates a premature translational stop signal (p.Arg341Leufs*38) in the NPC1 gene. It is expected to result in an absent or disrupted protein product. Loss-of-function variants in NPC1 are known to be pathogenic (PMID: 9211850).

GeneDx
Classification: Likely pathogenic. Last evaluated: 2017-08-29. Review status: criteria provided, single submitter. Criteria: GeneDx Variant Classification (06012015). Collection method: clinical testing. Allele origin: germline. Affected: yes.
Comment: The c.1020_1021delAC variant in the NPC1 gene has not been reported previously as a pathogenic variant, nor as a benign variant, to our knowledge. The c.1020_1021delAC variant causes a frameshift starting with codon Arginine 341, changes this amino acid to a Leucine residue, and creates a premature Stop codon at position 38 of the new reading frame, denoted p.Arg341LeufsX38. This variant is predicted to cause loss of normal protein function either through protein truncation or nonsense-mediated mRNA decay. The c.1020_1021delAC variant is not observed in large population cohorts (Lek et al., 2016; 1000 Genomes Consortium et al., 2015; Exome Variant Server). We interpret c.1020_1021delAC as a likely pathogenic variant.

Literature cited by the submitters: PubMed 9211850 (cited by Labcorp Genetics (formerly Invitae), Labcorp).

NM_000271.5(NPC1):c.1020_1021del (p.Arg341fs)

Gene: NPC1 (NPC intracellular cholesterol transporter 1; minus strand). Cytogenetic location: 18q11.2.
Variant type: Microsatellite.
Coding change: c.1020_1021del on transcript NM_000271.5 (MANE Select); coding-DNA positions 1020 to 1021, 2 bases deleted (AC; older notation c.1020_1021delAC).
Protein change: p.Arg341fs; shifts the reading frame from arginine 341.
Molecular consequence: frameshift variant.
Genome position (GRCh38, 1-based): chr18:23,556,548-23,556,549, GT deleted on the plus strand (AC on the coding strand, the reverse complement: NPC1 is on the minus strand); deleting any 2 consecutive bases within chr18:23,556,548-23,556,552 gives the same sequence; the c. name uses the placement nearest the transcript's 3' end. VCF-style (leftmost placement, unchanged base first): chr18-23556547-CGT-C. GRCh37 (hg19) VCF-style: chr18-21136511-CGT-C.
Other names: short protein forms R341fs.
Identifiers: ClinVar variation 451826 (VCV000451826.7), dbSNP rs1555637255, ClinGen allele CA658658729.